The following is an entry in ClinVar:

NM_004565.3(PEX14):c.693A>G (p.Pro231=)

Gene: PEX14 (peroxisomal biogenesis factor 14; plus strand). Cytogenetic location: 1p36.22.
Variant type: single nucleotide variant.
Coding change: c.693A>G on transcript NM_004565.3 (MANE Select); coding-DNA position 693, A replaced by G.
Protein change: p.Pro231=; no amino-acid change (proline 231 retained).
Molecular consequence: synonymous variant.
Genome position (GRCh38, 1-based): chr1:10,629,546, A>G. VCF-style: chr1-10629546-A-G. GRCh37 (hg19) VCF-style: chr1-10689603-A-G.
Identifiers: ClinVar variation 595460 (VCV000595460.22), dbSNP rs145899844, ClinGen allele CA583946.

ClinVar aggregate classification (germline): Conflicting classifications of pathogenicity. Review status: criteria provided, conflicting classifications (1 of 4 stars). 4 submissions from 4 submitters: Uncertain significance (1); Likely benign (3). Last evaluated 2026-01-26.

Conditions:
Peroxisome biogenesis disorder, complementation group K (CGK). Identifiers: MedGen C1866257, MONDO:0800365.

Allele frequency attached by ClinVar (database versions not stated): gnomAD 0.00011; TOPMed 0.00012; ESP Exome Variant Server 0.00023; ExAC 0.00010.
gnomAD v4.1: 391 of 1,612,920 alleles (0.024%); highest among the groups gnomAD compares: Non-Finnish European, 0.031%; no homozygotes.

Submissions (4):

Labcorp Genetics (formerly Invitae), Labcorp
Classification: Likely benign for Peroxisome biogenesis disorder, complementation group K. Last evaluated: 2026-01-26. Review status: criteria provided, single submitter. Criteria: Invitae Variant Classification Sherloc (09022015). Collection method: clinical testing. Allele origin: germline.

CeGaT Center for Human Genetics Tuebingen
Classification: Likely benign. Last evaluated: 2025-10-01. Review status: criteria provided, single submitter. Criteria: CeGaT Center For Human Genetics Tuebingen Variant Classification Criteria Version 2. Collection method: clinical testing. Allele origin: germline. Affected: yes. Observed: 1 variant allele.
Comment: PEX14: BP4, BP7

Blueprint Genetics
Classification: Likely benign. Last evaluated: 2024-04-25. Review status: criteria provided, single submitter. Criteria: ACMG Guidelines, 2015. Collection method: clinical testing. Allele origin: germline.

Eurofins Ntd Llc (ga)
Classification: Uncertain significance. Last evaluated: 2018-08-22. Review status: criteria provided, single submitter. Criteria: EGL ClinVar v180209 classification definitions. Collection method: clinical testing. Allele origin: germline. Observed: 2 variant alleles, 2 heterozygotes.